The following is an entry in ClinVar:

NM_000081.4(LYST):c.7856A>G (p.His2619Arg)

Gene: LYST (lysosomal trafficking regulator; minus strand). Cytogenetic location: 1q42.3.
Variant type: single nucleotide variant.
Coding change: c.7856A>G on transcript NM_000081.4 (MANE Select); coding-DNA position 7856, A replaced by G.
Protein change: p.His2619Arg; replaces histidine 2619 with arginine.
Molecular consequence: missense variant.
Genome position (GRCh38, 1-based): chr1:235,746,452, T>C on the plus strand (A>G on the coding strand, the complement: LYST is on the minus strand). VCF-style: chr1-235746452-T-C. GRCh37 (hg19) VCF-style: chr1-235909752-T-C.
Other names: c.7856A>G, p.His2619Arg (NM_001301365.1); short protein forms H2619R.
Identifiers: ClinVar variation 1020729 (VCV001020729.5), dbSNP rs753997952, ClinGen allele CA1466010.
Genomic context (GRCh38, chr1:235,746,452, plus strand): 5'-AGTTCCGTTTCAGTTGCTTGGCTAGGGTTCTCTTGGCTCATTCTCCGTTGCATCATCACA[T>C]GAAGCTCATCATTTGCCACTGAACGCATTTTCATCAGAAGCGATTCAGTTTGAGCAAGGG-3'
Protein context (NP_000072.2, residues 2609-2629): KMRSVANDEL[His2619Arg]VMMQRRMSQE

ClinVar aggregate classification (germline): Uncertain significance (1 of 4 stars; one submission).

Conditions:
Chédiak-Higashi syndrome (CHS). Also called: Chediak-Higashi Syndrome. Identifiers: Orphanet 167, MedGen C0007965, MONDO:0008963, OMIM 214500.

Allele frequency attached by ClinVar (database versions not stated): gnomAD exomes below 0.00001; ExAC 0.00001.
gnomAD v4.1: 2 of 1,613,940 alleles (0.00012%); highest among the groups gnomAD compares: Non-Finnish European, 0.00017%; no homozygotes.

Submission:

Labcorp Genetics (formerly Invitae), Labcorp
Classification: Uncertain significance for Chédiak-Higashi syndrome. Last evaluated: 2022-04-28. Review status: criteria provided, single submitter. Criteria: Invitae Variant Classification Sherloc (09022015). Collection method: clinical testing. Allele origin: germline.
Comment: This variant is present in population databases (rs753997952, gnomAD 0.002%). This sequence change replaces histidine, which is basic and polar, with arginine, which is basic and polar, at codon 2619 of the LYST protein (p.His2619Arg). This variant has not been reported in the literature in individuals affected with LYST-related conditions. In summary, the available evidence is currently insufficient to determine the role of this variant in disease. Therefore, it has been classified as a Variant of Uncertain Significance. Algorithms developed to predict the effect of missense changes on protein structure and function (SIFT, PolyPhen-2, Align-GVGD) all suggest that this variant is likely to be tolerated. ClinVar contains an entry for this variant (Variation ID: 1020729).